The following is an entry in ClinVar:

NM_001256071.3(RNF213):c.5006T>C (p.Val1669Ala)

Gene: RNF213 (ring finger protein 213; plus strand). Cytogenetic location: 17q25.3.
Variant type: single nucleotide variant.
Coding change: c.5006T>C on transcript NM_001256071.3 (MANE Select); coding-DNA position 5006, T replaced by C.
Protein change: p.Val1669Ala; replaces valine 1669 with alanine.
Molecular consequence: missense variant.
Genome position (GRCh38, 1-based): chr17:80,339,373, T>C. VCF-style: chr17-80339373-T-C. GRCh37 (hg19) VCF-style: chr17-78313173-T-C.
Other names: c.5153T>C, p.Val1718Ala (NM_001410195.1, NM_020914.5); short protein forms V1669A, V1718A.
Identifiers: ClinVar variation 4086708 (VCV004086708.1).

ClinVar aggregate classification (germline): Uncertain significance (1 of 4 stars; one submission).

Submission:

GeneDx
Classification: Uncertain significance. Last evaluated: 2025-03-17. Review status: criteria provided, single submitter. Criteria: GeneDx Variant Classification Process June 2021. Collection method: clinical testing. Allele origin: germline. Affected: yes.
Comment: Not observed at significant frequency in large population cohorts (gnomAD); In silico analysis supports that this missense variant has a deleterious effect on protein structure/function; Has not been previously published as pathogenic or benign to our knowledge